The following is an entry in ClinVar:

NM_004369.4(COL6A3):c.4390C>G (p.Arg1464Gly)

Gene: COL6A3 (collagen type VI alpha 3 chain; minus strand). Cytogenetic location: 2q37.3.
Variant type: single nucleotide variant.
Coding change: c.4390C>G on transcript NM_004369.4 (MANE Select); coding-DNA position 4390, C replaced by G.
Protein change: p.Arg1464Gly; replaces arginine 1464 with glycine.
Molecular consequence: missense variant.
Genome position (GRCh38, 1-based): chr2:237,369,073, G>C on the plus strand (C>G on the coding strand, the complement: COL6A3 is on the minus strand). VCF-style: chr2-237369073-G-C. GRCh37 (hg19) VCF-style: chr2-238277716-G-C.
Other names: c.2569C>G, p.Arg857Gly (NM_057166.5); c.3772C>G, p.Arg1258Gly (NM_057167.4); short protein forms R1464G, R1258G, R857G.
Identifiers: ClinVar variation 1909265 (VCV001909265.5), dbSNP rs912671116, ClinGen allele CA351193456.

ClinVar aggregate classification (germline): Uncertain significance (1 of 4 stars; one submission).

Conditions:
Bethlem myopathy 1A. Also called: Bethlem myopathy 1; MYOPATHY, BENIGN CONGENITAL, WITH CONTRACTURES; Bethlem Muscular Dystrophy. Identifiers: Orphanet 610, MedGen CN029274, MONDO:0024530, OMIM 158810.

Submission:

Labcorp Genetics (formerly Invitae), Labcorp
Classification: Uncertain significance for Bethlem myopathy 1A. Last evaluated: 2022-06-04. Review status: criteria provided, single submitter. Criteria: Invitae Variant Classification Sherloc (09022015). Collection method: clinical testing. Allele origin: germline.
Comment: In summary, the available evidence is currently insufficient to determine the role of this variant in disease. Therefore, it has been classified as a Variant of Uncertain Significance. Advanced modeling of protein sequence and biophysical properties (such as structural, functional, and spatial information, amino acid conservation, physicochemical variation, residue mobility, and thermodynamic stability) performed at Invitae indicates that this missense variant is not expected to disrupt COL6A3 protein function. This variant has not been reported in the literature in individuals affected with COL6A3-related conditions. This variant is not present in population databases (gnomAD no frequency). This sequence change replaces arginine, which is basic and polar, with glycine, which is neutral and non-polar, at codon 1464 of the COL6A3 protein (p.Arg1464Gly).